The following is an entry in ClinVar:

ClinVar aggregate classification (germline): Uncertain significance (1 of 4 stars; one submission).

Conditions:
Retinitis pigmentosa 59 (RP59). Identifiers: Orphanet 791, MedGen C3151227, MONDO:0013468, OMIM 613861.

Allele frequency attached by ClinVar (database versions not stated): gnomAD exomes below 0.00001.
gnomAD v4.1: 1 of 1,613,960 alleles (0.000062%); highest among the groups gnomAD compares: Non-Finnish European, 0.000085%; no homozygotes.

Submission:

Labcorp Genetics (formerly Invitae), Labcorp
Classification: Uncertain significance for Retinitis pigmentosa 59. Last evaluated: 2022-08-21. Review status: criteria provided, single submitter. Criteria: Invitae Variant Classification Sherloc (09022015). Collection method: clinical testing. Allele origin: germline.
Comment: This variant is not present in population databases (gnomAD no frequency). This sequence change replaces lysine, which is basic and polar, with glutamine, which is neutral and polar, at codon 27 of the DHDDS protein (p.Lys27Gln). In summary, the available evidence is currently insufficient to determine the role of this variant in disease. Therefore, it has been classified as a Variant of Uncertain Significance. Algorithms developed to predict the effect of missense changes on protein structure and function are either unavailable or do not agree on the potential impact of this missense change (SIFT: "Tolerated"; PolyPhen-2: "Possibly Damaging"; Align-GVGD: "Class C0"). This variant has not been reported in the literature in individuals affected with DHDDS-related conditions.

NM_205861.3(DHDDS):c.79A>C (p.Lys27Gln)

Gene: DHDDS (dehydrodolichyl diphosphate synthase subunit; plus strand). Cytogenetic location: 1p36.11.
Variant type: single nucleotide variant.
Coding change: c.79A>C on transcript NM_205861.3 (MANE Select); coding-DNA position 79, A replaced by C.
Protein change: p.Lys27Gln; replaces lysine 27 with glutamine.
Molecular consequence: missense variant. On other transcripts: 5 prime UTR variant (1).
Genome position (GRCh38, 1-based): chr1:26,438,183, A>C. VCF-style: chr1-26438183-A-C. GRCh37 (hg19) VCF-style: chr1-26764674-A-C.
Other names: c.79A>C, p.Lys27Gln (NM_001243564.2, NM_001243565.2, NM_024887.4); c.-224A>C (NM_001319959.2); short protein forms K27Q.
Identifiers: ClinVar variation 1717341 (VCV001717341.5), dbSNP rs2524465240, ClinGen allele CA339138490.